The following is an entry in ClinVar:

ClinVar aggregate classification (germline): Likely benign (0 of 4 stars; one submission).

Conditions:
EPHA3-related disorder. Also called: EPHA3-related condition.

Allele frequency attached by ClinVar (database versions not stated): ExAC 0.00002; gnomAD exomes 0.00010; gnomAD 0.00005; TOPMed 0.00005; ESP Exome Variant Server 0.00008.
gnomAD v4.1: 148 of 1,610,138 alleles (0.0092%); highest among the groups gnomAD compares: Non-Finnish European, 0.012%; 1 homozygote.

Submission:

PreventionGenetics, part of Exact Sciences
Classification: Likely benign for EPHA3-related condition. Last evaluated: 2019-02-19. Review status: no assertion criteria provided. Collection method: clinical testing. Allele origin: germline.
Comment: This variant is classified as likely benign based on ACMG/AMP sequence variant interpretation guidelines (Richards et al. 2015 PMID: 25741868, with internal and published modifications).

NM_005233.6(EPHA3):c.1944T>C (p.Ile648=)

Gene: EPHA3 (EPH receptor A3; plus strand). Cytogenetic location: 3p11.1.
Variant type: single nucleotide variant.
Coding change: c.1944T>C on transcript NM_005233.6 (MANE Select); coding-DNA position 1944, T replaced by C.
Protein change: p.Ile648=; no amino-acid change (isoleucine 648 retained).
Molecular consequence: synonymous variant.
Genome position (GRCh38, 1-based): chr3:89,419,260, T>C. VCF-style: chr3-89419260-T-C. GRCh37 (hg19) VCF-style: chr3-89468410-T-C.
Other names: c.1944T>C, p.Ile648= (NM_001410778.1).
Identifiers: ClinVar variation 3058030 (VCV003058030.2), dbSNP rs138119313, ClinGen allele CA2502718.
Genomic context (GRCh38, chr3:89,419,260, plus strand): 5'-AACAGGTGAATTTGGAGAGGTGTGCAGTGGTCGCTTAAAACTTCCTTCAAAAAAAGAGAT[T>C]TCAGTGGCCATTAAGACCCTGAAAGTTGGCTACACAGAAAAGCAGAGGAGAGACTTCCTG-3'
Protein context (NP_005224.2, residues 638-658): GRLKLPSKKE[Ile648=]SVAIKTLKVG